The following is an entry in ClinVar:

NM_005422.4(TECTA):c.1757G>A (p.Arg586Gln)

Genes: TBCEL-TECTA (TBCEL-TECTA readthrough; plus strand), TECTA (tectorin alpha; plus strand). Cytogenetic location: 11q23.3.
Variant type: single nucleotide variant.
Coding change: c.1757G>A on transcript NM_005422.4 (MANE Select); coding-DNA position 1757, G replaced by A.
Protein change: p.Arg586Gln; replaces arginine 586 with glutamine.
Molecular consequence: missense variant.
Genome position (GRCh38, 1-based): chr11:121,125,855, G>A. VCF-style: chr11-121125855-G-A. GRCh37 (hg19) VCF-style: chr11-120996564-G-A.
Other names: c.2714G>A, p.Arg905Gln (NM_001378761.1); short protein forms R586Q, R905Q.
Identifiers: ClinVar variation 1419207 (VCV001419207.31), dbSNP rs146621940, ClinGen allele CA6326822.
Genomic context (GRCh38, chr11:121,125,855, plus strand): 5'-AAGCCATCCAGGCCTATGCTCTTGTGTGCCAAGCCCTTGGCATTCCAATTGGAGACTGGC[G>A]AACCCAGACTGGGTGTGGTAAGCTGGCATCCCATCCCCATGACAGGTCTCTCTTGTGCAG-3'
Protein context (NP_005413.2, residues 576-596): QALGIPIGDW[Arg586Gln]TQTGCVSTVQ

ClinVar aggregate classification (germline): Uncertain significance. Review status: criteria provided, multiple submitters, no conflicts (2 of 4 stars). 6 submissions from 6 submitters: Uncertain significance (6). Last evaluated 2026-07-27.

Conditions:
TECTA-related disorder. Also called: TECTA-related condition.
Inborn genetic diseases. Identifiers: MedGen C0950123, MeSH D030342.

Allele frequency attached by ClinVar (database versions not stated): ExAC 0.00006; gnomAD exomes 0.00006; TOPMed 0.00010; gnomAD 0.00013; 1000 Genomes Project 30x 0.00016; 1000 Genomes Project 0.00020; ESP Exome Variant Server 0.00023.
gnomAD v4.1: 186 of 1,609,760 alleles (0.012%); highest among the groups gnomAD compares: Non-Finnish European, 0.014%; no homozygotes.

Submissions (6):

PreventionGenetics, part of Exact Sciences
Classification: Uncertain significance for TECTA-related condition. Last evaluated: 2026-07-27. Review status: criteria provided, single submitter. Criteria: ACMG Guidelines, 2015. Collection method: clinical testing. Allele origin: germline.
Comment: The TECTA c.1757G>A variant is predicted to result in the amino acid substitution p.Arg586Gln. To our knowledge, this variant has not been reported in the literature. This variant is reported in 0.011% of alleles in individuals of European (Non-Finnish) descent in gnomAD. At this time, the clinical significance of this variant is uncertain due to the absence of conclusive functional and genetic evidence.

GeneDx
Classification: Uncertain significance. Last evaluated: 2025-06-10. Review status: criteria provided, single submitter. Criteria: GeneDx Variant Classification Process June 2021. Collection method: clinical testing. Allele origin: germline. Affected: yes.
Comment: In silico analysis supports that this missense variant has a deleterious effect on protein structure/function; Has not been previously published as pathogenic or benign to our knowledge; This variant is associated with the following publications: (PMID: 31554319, 9590290, 21520338)

Ambry Genetics
Classification: Uncertain significance for Inborn genetic diseases. Last evaluated: 2024-10-01. Review status: criteria provided, single submitter. Criteria: Ambry Variant Classification Scheme 2023. Collection method: clinical testing. Allele origin: germline.

Labcorp Genetics (formerly Invitae), Labcorp
Classification: Uncertain significance. Last evaluated: 2024-01-08. Review status: criteria provided, single submitter. Criteria: Invitae Variant Classification Sherloc (09022015). Collection method: clinical testing. Allele origin: germline.
Comment: This sequence change replaces arginine, which is basic and polar, with glutamine, which is neutral and polar, at codon 586 of the TECTA protein (p.Arg586Gln). This variant is present in population databases (rs146621940, gnomAD 0.01%). This variant has not been reported in the literature in individuals affected with TECTA-related conditions. ClinVar contains an entry for this variant (Variation ID: 1419207). Advanced modeling of protein sequence and biophysical properties (such as structural, functional, and spatial information, amino acid conservation, physicochemical variation, residue mobility, and thermodynamic stability) has been performed at Invitae for this missense variant, however the output from this modeling did not meet the statistical confidence thresholds required to predict the impact of this variant on TECTA protein function. In summary, the available evidence is currently insufficient to determine the role of this variant in disease. Therefore, it has been classified as a Variant of Uncertain Significance.

CeGaT Center for Human Genetics Tuebingen
Classification: Uncertain significance. Last evaluated: 2024-01-01. Review status: criteria provided, single submitter. Criteria: CeGaT Center For Human Genetics Tuebingen Variant Classification Criteria Version 2. Collection method: clinical testing. Allele origin: germline. Affected: yes. Observed: 1 variant allele.

Blueprint Genetics
Classification: Uncertain significance. Last evaluated: 2022-03-24. Review status: criteria provided, single submitter. Criteria: ACMG Guidelines, 2015. Collection method: clinical testing. Allele origin: germline.